The following is an entry in ClinVar:

NM_002354.3(EPCAM):c.384C>G (p.Asp128Glu)

Gene: EPCAM (epithelial cell adhesion molecule; plus strand). Cytogenetic location: 2p21.
Variant type: single nucleotide variant.
Coding change: c.384C>G on transcript NM_002354.3 (MANE Select); coding-DNA position 384, C replaced by G.
Protein change: p.Asp128Glu; replaces aspartic acid 128 with glutamic acid.
Molecular consequence: missense variant.
Genome position (GRCh38, 1-based): chr2:47,374,007, C>G. VCF-style: chr2-47374007-C-G. GRCh37 (hg19) VCF-style: chr2-47601146-C-G.
Other names: short protein forms D128E.
Identifiers: ClinVar variation 3509157 (VCV003509157.1).

ClinVar aggregate classification (germline): Uncertain significance (1 of 4 stars; one submission).

Conditions:
Hereditary cancer-predisposing syndrome. Also called: Tumor predisposition; Neoplastic Syndromes, Hereditary; Hereditary Cancer Syndrome; Hereditary neoplastic syndrome. Identifiers: Orphanet 140162, MedGen C0027672, MeSH D009386, MONDO:0015356.

Submission:

Ambry Genetics
Classification: Uncertain significance for Hereditary cancer-predisposing syndrome. Last evaluated: 2024-12-06. Review status: criteria provided, single submitter. Criteria: Ambry Variant Classification Scheme 2023. Collection method: clinical testing. Allele origin: germline.
Comment: The p.D128E variant (also known as c.384C>G), located in coding exon 3 of the EPCAM gene, results from a C to G substitution at nucleotide position 384. The aspartic acid at codon 128 is replaced by glutamic acid, an amino acid with highly similar properties. This amino acid position is conserved. In addition, this alteration is predicted to be tolerated by in silico analysis. Based on the available evidence, the clinical significance of this variant remains unclear.